The following is an entry in ClinVar:

NM_000038.6(APC):c.7271C>G (p.Ser2424Ter)

Gene: APC (APC regulator of Wnt signaling pathway; plus strand). Cytogenetic location: 5q22.2.
Variant type: single nucleotide variant.
Coding change: c.7271C>G on transcript NM_000038.6 (MANE Select); coding-DNA position 7271, C replaced by G.
Protein change: p.Ser2424Ter; replaces serine 2424 with a stop codon.
Molecular consequence: nonsense.
Genome position (GRCh38, 1-based): chr5:112,842,865, C>G. VCF-style: chr5-112842865-C-G. GRCh37 (hg19) VCF-style: chr5-112178562-C-G.
Other names: c.7271C>G, p.Ser2424Ter (NM_001127510.3, NM_001354895.2); c.7217C>G, p.Ser2406Ter (NM_001127511.3); c.7325C>G, p.Ser2442Ter (NM_001354896.2); c.7301C>G, p.Ser2434Ter (NM_001354897.2); c.7196C>G, p.Ser2399Ter (NM_001354898.2); c.7187C>G, p.Ser2396Ter (NM_001354899.2); c.7148C>G, p.Ser2383Ter (NM_001354900.2); c.7094C>G, p.Ser2365Ter (NM_001354901.2); and 5 more; short protein forms S2424*, S2406*, S2264*, S2333*, S2434*, S2141*, S2298*, S2323*.
Identifiers: ClinVar variation 482410 (VCV000482410.9), dbSNP rs1554088206, ClinGen allele CA16037165.

ClinVar aggregate classification (germline): Pathogenic. Review status: criteria provided, multiple submitters, no conflicts (2 of 4 stars). 3 submissions from 3 submitters: Pathogenic (3). Last evaluated 2024-02-11.

Conditions:
Hereditary cancer-predisposing syndrome. Also called: Neoplastic Syndromes, Hereditary; Tumor predisposition; Hereditary Cancer Syndrome; Hereditary neoplastic syndrome. Identifiers: Orphanet 140162, MedGen C0027672, MeSH D009386, MONDO:0015356.
Familial adenomatous polyposis 1 (FAP1). Also called: FAMILIAL ADENOMATOUS POLYPOSIS 1, ATTENUATED; POLYPOSIS, ADENOMATOUS INTESTINAL. Identifiers: MedGen C2713442, MONDO:0021056, OMIM 175100. Disease mechanism: loss of function.

Submissions (3):

Labcorp Genetics (formerly Invitae), Labcorp
Classification: Pathogenic for Familial adenomatous polyposis 1. Last evaluated: 2024-02-11. Review status: criteria provided, single submitter. Criteria: Invitae Variant Classification Sherloc (09022015). Collection method: clinical testing. Allele origin: germline.
Comment: This sequence change creates a premature translational stop signal (p.Ser2424*) in the APC gene. While this is not anticipated to result in nonsense mediated decay, it is expected to disrupt the last 420 amino acid(s) of the APC protein. This variant is not present in population databases (gnomAD no frequency). This variant has not been reported in the literature in individuals affected with APC-related conditions. ClinVar contains an entry for this variant (Variation ID: 482410). This variant disrupts a region of the APC protein in which other variant(s) (p.Thr2654Argfs*5) have been determined to be pathogenic (PMID: 23159591; Invitae). This suggests that this is a clinically significant region of the protein, and that variants that disrupt it are likely to be disease-causing. For these reasons, this variant has been classified as Pathogenic.

Myriad Genetics, Inc.
Classification: Pathogenic for Familial adenomatous polyposis 1. Last evaluated: 2023-05-16. Review status: criteria provided, single submitter. Criteria: Myriad Autosomal Dominant, Autosomal Recessive and X-Linked Classification Criteria (2023). Collection method: clinical testing. Allele origin: unknown.
Comment: This variant is considered pathogenic. This variant creates a termination codon and is predicted to result in premature protein truncation.

Ambry Genetics
Classification: Pathogenic for Hereditary cancer-predisposing syndrome. Last evaluated: 2019-09-28. Review status: criteria provided, single submitter. Criteria: Ambry Variant Classification Scheme 2023. Collection method: clinical testing. Allele origin: germline.
Comment: The p.S2424* pathogenic mutation (also known as c.7271C>G), located in coding exon 15 of the APC gene, results from a C to G substitution at nucleotide position 7271. This changes the amino acid from a serine to a stop codon within coding exon 15. The stop codon occurs in the last exon of the gene, so while it is truncating, the mRNA may escape nonsense mediated decay (NMD). Premature termination codons located either in the last exon or within 50-55 nucleotides upstream of the 3'-most exon-exon junction usually fail to elicit NMD (Maquat LE et al. Nat. Rev. Mol. Cell Biol. 2004 Feb; 5(2):89-99). This alteration is expected to result in loss of function by premature protein truncation. The exact functional impact of these removed amino acids is unknown at this time; however, structural analysis suggests this alteration removes a known motif (Thr2841-Ser2842-Val2843) needed for protein binding involved in regulation of protein function (Zhang Z et al. PLoS ONE, 2011 Aug;6:e23507; Slep KC. PLoS ONE, 2012 Nov;7:e50097). As such, this alteration is interpreted as a disease-causing mutation.

Literature cited by the submitters: PubMed 23159591 (cited by Labcorp Genetics (formerly Invitae), Labcorp).